The following is an entry in ClinVar:

ClinVar aggregate classification (germline): Uncertain significance. Review status: criteria provided, multiple submitters, no conflicts (2 of 4 stars). 3 submissions from 3 submitters: Uncertain significance (2). 1 of the submissions does not count toward it. Last evaluated 2021-08-28.

Conditions:
Primary ciliary dyskinesia. Also called: Ciliary dyskinesia. Identifiers: Orphanet 244, MedGen C0008780, MONDO:0016575, HP:0012265.

Allele frequency attached by ClinVar (database versions not stated): gnomAD 0.00001; gnomAD exomes 0.00002; ExAC 0.00005.
gnomAD v4.1: 13 of 1,590,978 alleles (0.00082%); highest among the groups gnomAD compares: South Asian, 0.0034%; no homozygotes.

Submissions (3):

Labcorp Genetics (formerly Invitae), Labcorp
Classification: Uncertain significance for Primary ciliary dyskinesia. Last evaluated: 2021-08-28. Review status: criteria provided, single submitter. Criteria: Invitae Variant Classification Sherloc (09022015). Collection method: clinical testing. Allele origin: germline.
Comment: This sequence change replaces alanine with threonine at codon 567 of the DNAI2 protein (p.Ala567Thr). The alanine residue is moderately conserved and there is a small physicochemical difference between alanine and threonine. This variant is present in population databases (rs778391861, ExAC 0.05%). This variant has not been reported in the literature in individuals affected with DNAI2-related conditions. Algorithms developed to predict the effect of missense changes on protein structure and function are either unavailable or do not agree on the potential impact of this missense change (SIFT: "Tolerated"; PolyPhen-2: "Possibly Damaging"; Align-GVGD: "Class C0"). In summary, the available evidence is currently insufficient to determine the role of this variant in disease. Therefore, it has been classified as a Variant of Uncertain Significance.

Ambry Genetics
Classification: Uncertain significance for Primary ciliary dyskinesia. Last evaluated: 2015-08-03. Review status: criteria provided, single submitter. Criteria: Ambry Variant Classification Scheme 2023. Collection method: clinical testing. Allele origin: germline.
Comment: The p.A567T variant (also known as c.1699G>A), located in coding exon 11 of the DNAI2 gene, results from a G to A substitution at nucleotide position 1699. The alanine at codon 567 is replaced by threonine, an amino acid with similar properties. This variant was not reported in population based cohorts in the following databases: Database of Single Nucleotide Polymorphisms (dbSNP), NHLBI Exome Sequencing Project (ESP), and 1000 Genomes Project. In the ESP, this variant was not observed in 6502 samples (13004 alleles) with coverage at this position. This amino acid position is well conserved on limited sequence alignment. In addition, this alteration is predicted to be tolerated by in silico analysis. Since supporting evidence is limited at this time, the clinical significance of this variant remains unclear.

Natera, Inc.
Classification: Uncertain significance for Primary ciliary dyskinesia. Last evaluated: 2020-07-08. Review status: no assertion criteria provided. Collection method: clinical testing. Allele origin: germline. Not counted in ClinVar's aggregate classification.

NM_023036.6(DNAI2):c.1699G>A (p.Ala567Thr)

Gene: DNAI2 (dynein axonemal intermediate chain 2; plus strand). Cytogenetic location: 17q25.1.
Variant type: single nucleotide variant.
Coding change: c.1699G>A on transcript NM_023036.6 (MANE Select); coding-DNA position 1699, G replaced by A.
Protein change: p.Ala567Thr; replaces alanine 567 with threonine.
Molecular consequence: missense variant.
Genome position (GRCh38, 1-based): chr17:74,312,207, G>A. VCF-style: chr17-74312207-G-A. GRCh37 (hg19) VCF-style: chr17-72308346-G-A.
Other names: c.1663G>A, p.Ala555Thr (NM_001172810.3); c.1699G>A, p.Ala567Thr (NM_001353167.2); short protein forms A567T, A555T.
Identifiers: ClinVar variation 656771 (VCV000656771.14), dbSNP rs778391861, ClinGen allele CA8745867.